The following is an entry in ClinVar:

ClinVar aggregate classification (germline): Likely pathogenic. Review status: criteria provided, single submitter (1 of 4 stars). 2 submissions from 2 submitters: Likely pathogenic (1). 1 of the submissions does not count toward it. Last evaluated 2019-12-27.

Conditions:
Lissencephaly due to TUBA1A mutation (CDCBM16). Also called: CORTICAL DYSPLASIA, COMPLEX, WITH OTHER BRAIN MALFORMATIONS 16; Lissencephaly 3. Identifiers: Orphanet 171680, MedGen C4305153, MONDO:0012703, OMIM 611603.
Abnormal cerebral morphology. Also called: Abnormality of the cerebrum. Identifiers: MedGen C4021762, HP:0002060.

Submissions (2):

Baylor Genetics
Classification: Likely pathogenic for Lissencephaly due to TUBA1A mutation. Last evaluated: 2019-12-27. Review status: criteria provided, single submitter. Criteria: ACMG Guidelines, 2015. Collection method: clinical testing. Allele origin: de novo. Affected: yes.
Comment: This variant was determined to be likely pathogenic according to ACMG Guidelines, 2015 [PMID:25741868].

Diagnostic Laboratory, Strasbourg University Hospital
Classification: Likely pathogenic for Abnormal cerebral morphology. Review status: no assertion criteria provided. Collection method: clinical testing. Allele origin: de novo. Affected: yes. Observed: 1 heterozygote. Not counted in ClinVar's aggregate classification.

NM_006009.4(TUBA1A):c.1156G>A (p.Glu386Lys)

Gene: TUBA1A (tubulin alpha 1a; minus strand). Cytogenetic location: 12q13.12.
Variant type: single nucleotide variant.
Coding change: c.1156G>A on transcript NM_006009.4 (MANE Select); coding-DNA position 1156, G replaced by A.
Protein change: p.Glu386Lys; replaces glutamic acid 386 with lysine.
Molecular consequence: missense variant.
Genome position (GRCh38, 1-based): chr12:49,185,210, C>T on the plus strand (G>A on the coding strand, the complement: TUBA1A is on the minus strand). VCF-style: chr12-49185210-C-T. GRCh37 (hg19) VCF-style: chr12-49578993-C-T.
Other names: c.1156G>A, p.Glu386Lys (NM_001270399.2); c.1051G>A, p.Glu351Lys (NM_001270400.2); short protein forms E386K, E351K.
Identifiers: ClinVar variation 1028470 (VCV001028470.2), dbSNP rs1942164890, ClinGen allele CA384635254.